The following is an entry in ClinVar:

NM_170707.4(LMNA):c.1053G>C (p.Arg351Ser)

Gene: LMNA (lamin A/C; plus strand). Cytogenetic location: 1q22.
Variant type: single nucleotide variant.
Coding change: c.1053G>C on transcript NM_170707.4 (MANE Select); coding-DNA position 1053, G replaced by C.
Protein change: p.Arg351Ser; replaces arginine 351 with serine.
Molecular consequence: missense variant.
Genome position (GRCh38, 1-based): chr1:156,136,017, G>C. VCF-style: chr1-156136017-G-C. GRCh37 (hg19) VCF-style: chr1-156105808-G-C.
Other names: c.717G>C, p.Arg239Ser (NM_001257374.3, NM_001406989.1, NM_001406998.1); c.810G>C, p.Arg270Ser (NM_001282624.2, NM_001406986.1, NM_001406987.1); c.1053G>C, p.Arg351Ser (NM_001282625.2, NM_001282626.2, NM_001406983.1 and 6 more transcripts); c.756G>C, p.Arg252Ser (NM_001406988.1); c.495G>C, p.Arg165Ser (NM_001406990.1, NM_001406993.1, NM_001406995.1 and 4 more transcripts); c.429G>C, p.Arg143Ser (NM_001406994.1, NM_001406999.1, NM_001407000.1 and 1 more transcripts); short protein forms R143S, R239S, R270S, R165S, R252S, R351S.
Identifiers: ClinVar variation 2452987 (VCV002452987.2), dbSNP rs2527991700, ClinGen allele CA342820275.

ClinVar aggregate classification (germline): Uncertain significance (1 of 4 stars; one submission).

Conditions:
Cardiovascular phenotype. Identifiers: MedGen CN230736.

Submission:

Ambry Genetics
Classification: Uncertain significance for Cardiovascular phenotype. Last evaluated: 2023-03-13. Review status: criteria provided, single submitter. Criteria: Ambry Variant Classification Scheme 2023. Collection method: clinical testing. Allele origin: germline.
Comment: The p.R351S variant (also known as c.1053G>C), located in coding exon 6 of the LMNA gene, results from a G to C substitution at nucleotide position 1053. The arginine at codon 351 is replaced by serine, an amino acid with dissimilar properties. This amino acid position is well conserved in available vertebrate species. In addition, this alteration is predicted to be deleterious by in silico analysis. Since supporting evidence is limited at this time, the clinical significance of this alteration remains unclear.